The following is an entry in ClinVar:

NM_001378743.1(CYLD):c.*3148T>C

Genes: CYLD (CYLD lysine 63 deubiquitinase; plus strand), CYLD-AS2 (CYLD antisense RNA 2; minus strand). Cytogenetic location: 16q12.1.
Variant type: single nucleotide variant.
Coding change: c.*3148T>C on transcript NM_001378743.1 (MANE Select); 3148 bases downstream of the stop codon, T replaced by C.
Molecular consequence: 3 prime UTR variant. On other transcripts: non-coding transcript variant (1).
Genome position (GRCh38, 1-based): chr16:50,799,656, T>C. VCF-style: chr16-50799656-T-C. GRCh37 (hg19) VCF-style: chr16-50833567-T-C.
Other names: c.*3148T>C (NM_001042355.2, NM_001042412.3, NM_001378744.1 and 12 more transcripts).
Identifiers: ClinVar variation 319549 (VCV000319549.29), dbSNP rs555603514, ClinGen allele CA10648525.
Genomic context (GRCh38, chr16:50,799,656, plus strand): 5'-CCTATCCCTAGGATTCCTTTATTATTTTTTTTCACAGATTTTGAGAACAAGGGGGAGAGA[T>C]AGTATGGAAGATTAAGATTCCATTAATCTTATAGAACTGTGTTGTCACCCAAATTCCTGC-3'

ClinVar aggregate classification (germline): Conflicting classifications of pathogenicity. Review status: criteria provided, conflicting classifications (1 of 4 stars). 4 submissions from 2 submitters: Uncertain significance (3); Likely benign (1). Last evaluated 2023-01-01.

Conditions:
Familial cylindromatosis. Also called: Turban tumor syndrome; ANCELL-SPIEGLER CYLINDROMAS. Identifiers: Orphanet 211, Orphanet 79493, MedGen C1851526, MONDO:0007565, OMIM 132700.
Familial multiple trichoepitheliomata. Also called: Familial multiple trichoepithelioma. Identifiers: Orphanet 79493, Orphanet 867, MedGen C1275122, MONDO:0011114.
Brooke-Spiegler syndrome. Also called: CYLD Cutaneous Syndrome. Identifiers: Orphanet 79493, MedGen C1857941, MONDO:0011512, OMIM 605041.

Allele frequency attached by ClinVar (database versions not stated): gnomAD 0.00112 and 0.00118; TOPMed 0.00115; gnomAD exomes 0.00126.
gnomAD v4.1: 275 of 233,538 alleles (0.12%); highest among the groups gnomAD compares: Non-Finnish European, 0.18%; no homozygotes.

Submissions (4):

CeGaT Center for Human Genetics Tuebingen
Classification: Likely benign. Last evaluated: 2023-01-01. Review status: criteria provided, single submitter. Criteria: CeGaT Center For Human Genetics Tuebingen Variant Classification Criteria Version 2. Collection method: clinical testing. Allele origin: germline. Affected: yes. Observed: 1 variant allele.
Comment: CYLD: BS1

Illumina Laboratory Services, Illumina
Classification: Uncertain significance for Trichoepithelioma, multiple familial, 1. Last evaluated: 2018-01-13. Review status: criteria provided, single submitter. Criteria: ICSL Variant Classification Criteria 13 December 2019. Collection method: clinical testing. Allele origin: germline.

Illumina Laboratory Services, Illumina
Classification: Uncertain significance for Familial cylindromatosis. Last evaluated: 2018-01-13. Review status: criteria provided, single submitter. Criteria: ICSL Variant Classification Criteria 13 December 2019. Collection method: clinical testing. Allele origin: germline.

Illumina Laboratory Services, Illumina
Classification: Uncertain significance for Brooke-Spiegler syndrome. Last evaluated: 2018-01-13. Review status: criteria provided, single submitter. Criteria: ICSL Variant Classification Criteria 13 December 2019. Collection method: clinical testing. Allele origin: germline.